The following is an entry in ClinVar:

NM_001244710.2(GFPT1):c.505A>G (p.Ser169Gly)

Gene: GFPT1 (glutamine--fructose-6-phosphate transaminase 1; minus strand). Cytogenetic location: 2p13.3.
Variant type: single nucleotide variant.
Coding change: c.505A>G on transcript NM_001244710.2 (MANE Select); coding-DNA position 505, A replaced by G.
Protein change: p.Ser169Gly; replaces serine 169 with glycine.
Molecular consequence: missense variant.
Genome position (GRCh38, 1-based): chr2:69,358,367, T>C on the plus strand (A>G on the coding strand, the complement: GFPT1 is on the minus strand). VCF-style: chr2-69358367-T-C. GRCh37 (hg19) VCF-style: chr2-69585499-T-C.
Other names: c.505A>G, p.Ser169Gly (NM_002056.4); short protein forms S169G.
Identifiers: ClinVar variation 1416734 (VCV001416734.6), dbSNP rs2104655632, ClinGen allele CA347131661.

ClinVar aggregate classification (germline): Uncertain significance (1 of 4 stars; one submission).

Conditions:
Congenital myasthenic syndrome 12 (CMS12). Also called: Myasthenia, congenital, 12, with tubular aggregates; MYASTHENIC SYNDROME, CONGENITAL, WITH TUBULAR AGGREGATES 1. Identifiers: Orphanet 353327, Orphanet 590, MedGen C3552335, MONDO:0012518, OMIM 610542.

Allele frequency attached by ClinVar (database versions not stated): gnomAD exomes below 0.00001.
gnomAD v4.1: 2 of 1,612,636 alleles (0.00012%); highest among the groups gnomAD compares: East Asian, 0.0022%; no homozygotes.

Submission:

Labcorp Genetics (formerly Invitae), Labcorp
Classification: Uncertain significance for Congenital myasthenic syndrome 12. Last evaluated: 2021-12-03. Review status: criteria provided, single submitter. Criteria: Invitae Variant Classification Sherloc (09022015). Collection method: clinical testing. Allele origin: germline.
Comment: In summary, the available evidence is currently insufficient to determine the role of this variant in disease. Therefore, it has been classified as a Variant of Uncertain Significance. Algorithms developed to predict the effect of missense changes on protein structure and function are either unavailable or do not agree on the potential impact of this missense change (SIFT: "Deleterious"; PolyPhen-2: "Benign"; Align-GVGD: "Class C0"). This variant has not been reported in the literature in individuals affected with GFPT1-related conditions. This variant is not present in population databases (gnomAD no frequency). This sequence change replaces serine, which is neutral and polar, with glycine, which is neutral and non-polar, at codon 169 of the GFPT1 protein (p.Ser169Gly).